The following is an entry in ClinVar:

NM_001303.4(COX10):c.1299C>T (p.Ser433=)

Gene: COX10 (cytochrome c oxidase assembly factor heme A:farnesyltransferase COX10; plus strand). Cytogenetic location: 17p12.
Variant type: single nucleotide variant.
Coding change: c.1299C>T on transcript NM_001303.4 (MANE Select); coding-DNA position 1299, C replaced by T.
Protein change: p.Ser433=; no amino-acid change (serine 433 retained).
Molecular consequence: synonymous variant.
Genome position (GRCh38, 1-based): chr17:14,207,180, C>T. VCF-style: chr17-14207180-C-T. GRCh37 (hg19) VCF-style: chr17-14110497-C-T.
Identifiers: ClinVar variation 667517 (VCV000667517.4), dbSNP rs777894321, ClinGen allele CA8402605.
Genomic context (GRCh38, chr17:14,207,180, plus strand): 5'-CTGCAGCCTGTGGCACCTGCCGCTGCTGCTGCTGCTCATGCTCACCTGCAAGCGGCCGAG[C>T]GGAGGCGGGGACGCAGGGCCCCCTCCCAGCTGAGAGCACTGGGACGCCCACCGCCCCTTT-3'
Protein context (NP_001294.2, residues 423-443): LLLMLTCKRP[Ser433=]GGGDAGPPPS

ClinVar aggregate classification (germline): Likely benign. Review status: criteria provided, multiple submitters, no conflicts (2 of 4 stars). 2 submissions from 2 submitters: Likely benign (2). Last evaluated 2023-05-20.

Allele frequency attached by ClinVar (database versions not stated): ExAC 0.00002; gnomAD 0.00003; gnomAD exomes 0.00005 and 0.00008; TOPMed 0.00005.
gnomAD v4.1: 111 of 1,605,456 alleles (0.0069%); highest among the groups gnomAD compares: Non-Finnish European, 0.0088%; no homozygotes.

Submissions (2):

Labcorp Genetics (formerly Invitae), Labcorp
Classification: Likely benign. Last evaluated: 2023-05-20. Review status: criteria provided, single submitter. Criteria: Invitae Variant Classification Sherloc (09022015). Collection method: clinical testing. Allele origin: germline.

GeneDx
Classification: Likely benign. Last evaluated: 2018-05-21. Review status: criteria provided, single submitter. Criteria: GeneDx Variant Classification (06012015). Collection method: clinical testing. Allele origin: germline. Affected: yes.
Comment: This variant is considered likely benign or benign based on one or more of the following criteria: it is a conservative change, it occurs at a poorly conserved position in the protein, it is predicted to be benign by multiple in silico algorithms, and/or has population frequency not consistent with disease.